The following is an entry in ClinVar:

NM_022915.5(MRPL44):c.30G>C (p.Gln10His)

Genes: MRPL44 (mitochondrial ribosomal protein L44; plus strand), LOC129935704 (ATAC-STARR-seq lymphoblastoid active region 17184; plus strand). Cytogenetic location: 2q36.1.
Variant type: single nucleotide variant.
Coding change: c.30G>C on transcript NM_022915.5 (MANE Select); coding-DNA position 30, G replaced by C.
Protein change: p.Gln10His; replaces glutamine 10 with histidine.
Molecular consequence: missense variant.
Genome position (GRCh38, 1-based): chr2:223,957,502, G>C. VCF-style: chr2-223957502-G-C. GRCh37 (hg19) VCF-style: chr2-224822219-G-C.
Other names: short protein forms Q10H.
Identifiers: ClinVar variation 2422037 (VCV002422037.7), dbSNP rs201475876, ClinGen allele CA2138959.
Genomic context (GRCh38, chr2:223,957,502, plus strand): 5'-CGTTCCGTCTTCCATCGTTTTCTCTCGTGCAATGGCGTCCGGGCTGGTAAGATTGCTGCA[G>C]CAGGGACATCGCTGCCTCCTGGCTCCAGTCGCCCCCAAGCTGGTCCCTCCGGTTCGGGGA-3'
Protein context (NP_075066.1, residues 1-20): MASGLVRLL[Gln10His]QGHRCLLAPV

ClinVar aggregate classification (germline): Uncertain significance (1 of 4 stars; one submission).

Allele frequency attached by ClinVar (database versions not stated): gnomAD 0.00001; ExAC 0.00002; TOPMed 0.00002; 1000 Genomes Project 0.00020; 1000 Genomes Project 30x 0.00031.
gnomAD v4.1: 7 of 1,614,136 alleles (0.00043%); highest among the groups gnomAD compares: Admixed American, 0.0033%; no homozygotes.

Submission:

Labcorp Genetics (formerly Invitae), Labcorp
Classification: Uncertain significance. Last evaluated: 2022-07-18. Review status: criteria provided, single submitter. Criteria: Invitae Variant Classification Sherloc (09022015). Collection method: clinical testing. Allele origin: germline.
Comment: This sequence change replaces glutamine, which is neutral and polar, with histidine, which is basic and polar, at codon 10 of the MRPL44 protein (p.Gln10His). This variant is present in population databases (rs201475876, gnomAD 0.01%). This variant has not been reported in the literature in individuals affected with MRPL44-related conditions. Algorithms developed to predict the effect of missense changes on protein structure and function (SIFT, PolyPhen-2, Align-GVGD) all suggest that this variant is likely to be tolerated. In summary, the available evidence is currently insufficient to determine the role of this variant in disease. Therefore, it has been classified as a Variant of Uncertain Significance.